The following is an entry in ClinVar:

ClinVar aggregate classification (germline): Uncertain significance (1 of 4 stars; one submission).

Conditions:
Hereditary cancer-predisposing syndrome. Also called: Neoplastic Syndromes, Hereditary; Tumor predisposition; Hereditary neoplastic syndrome; Hereditary Cancer Syndrome. Identifiers: Orphanet 140162, MedGen C0027672, MeSH D009386, MONDO:0015356.

Submission:

Ambry Genetics
Classification: Uncertain significance for Hereditary cancer-predisposing syndrome. Last evaluated: 2023-09-20. Review status: criteria provided, single submitter. Criteria: Ambry Variant Classification Scheme 2023. Collection method: clinical testing. Allele origin: germline.
Comment: The p.A269V variant (also known as c.806C>T), located in coding exon 4 of the RET gene, results from a C to T substitution at nucleotide position 806. The alanine at codon 269 is replaced by valine, an amino acid with similar properties. This amino acid position is conserved. In addition, this alteration is predicted to be tolerated by in silico analysis. Since supporting evidence is limited at this time, the clinical significance of this alteration remains unclear.

NM_020975.6(RET):c.806C>T (p.Ala269Val)

Gene: RET (ret proto-oncogene; plus strand). Cytogenetic location: 10q11.21.
Variant type: single nucleotide variant.
Coding change: c.806C>T on transcript NM_020975.6 (MANE Select); coding-DNA position 806, C replaced by T.
Protein change: p.Ala269Val; replaces alanine 269 with valine.
Molecular consequence: missense variant. On other transcripts: intron variant (22).
Genome position (GRCh38, 1-based): chr10:43,105,132, C>T. VCF-style: chr10-43105132-C-T. GRCh37 (hg19) VCF-style: chr10-43600580-C-T.
Other names: c.806C>T, p.Ala269Val (NM_000323.2, NM_001406743.1, NM_001406744.1 and 8 more transcripts); c.44C>T, p.Ala15Val (NM_001355216.2); c.677C>T, p.Ala226Val (NM_001406761.1, NM_001406762.1, NM_001406764.1 and 2 more transcripts); c.518C>T, p.Ala173Val (NM_001406766.1, NM_001406767.1, NM_001406770.1); c.625+2503C>T (NM_001406773.1, NM_001406771.1, NM_001406782.1 and 5 more transcripts); c.496+2503C>T (NM_001406786.1, NM_001406783.1); c.338-3899C>T (NM_001406778.1, NM_001406775.1, NM_001406776.1 and 1 more transcripts); c.337+4410C>T (NM_001406790.1, NM_001406788.1, NM_001406789.1 and 1 more transcripts); and 2 more; short protein forms A15V, A173V, A226V, A269V.
Identifiers: ClinVar variation 3227571 (VCV003227571.1), dbSNP rs2132707855, ClinGen allele CA376545154.